The following is an entry in ClinVar:

ClinVar aggregate classification (germline): Benign/Likely benign. Review status: criteria provided, multiple submitters, no conflicts (2 of 4 stars). 4 submissions from 4 submitters: Benign (2); Likely benign (1). 1 of the submissions does not count toward it. Last evaluated 2026-01-24.

Conditions:
Vici syndrome (VICIS). Identifiers: Orphanet 1493, MedGen C1855772, MONDO:0009452, OMIM 242840.
EPG5-related disorder. Also called: EPG5-related condition. Identifiers: MedGen CN381528.

Allele frequency attached by ClinVar (database versions not stated): gnomAD exomes 0.00033 and 0.00100; ExAC 0.00122; gnomAD 0.00350 and 0.00369; ESP Exome Variant Server 0.00372; TOPMed 0.00414; 1000 Genomes Project 0.00419; 1000 Genomes Project 30x 0.00484.
gnomAD v4.1: 1,033 of 1,614,118 alleles (0.064%); highest among the groups gnomAD compares: African/African-American, 1.2%; 6 homozygotes.

Submissions (4):

Labcorp Genetics (formerly Invitae), Labcorp
Classification: Benign for Vici syndrome. Last evaluated: 2026-01-24. Review status: criteria provided, single submitter. Criteria: Invitae Variant Classification Sherloc (09022015). Collection method: clinical testing. Allele origin: germline.

Blueprint Genetics
Classification: Likely benign. Last evaluated: 2024-11-14. Review status: criteria provided, single submitter. Criteria: ACMG Guidelines, 2015. Collection method: clinical testing. Allele origin: germline.

Breakthrough Genomics
Classification: Benign. Review status: criteria provided, single submitter. Criteria: ACMG Guidelines, 2015. Collection method: not provided. Allele origin: germline. Inheritance: Autosomal recessive inheritance. Affected: yes.

PreventionGenetics, part of Exact Sciences
Classification: Benign for EPG5-related condition. Last evaluated: 2019-11-08. Review status: no assertion criteria provided. Collection method: clinical testing. Allele origin: germline. Not counted in ClinVar's aggregate classification.
Comment: This variant is classified as benign based on ACMG/AMP sequence variant interpretation guidelines (Richards et al. 2015 PMID: 25741868, with internal and published modifications).

NM_020964.3(EPG5):c.3436T>C (p.Leu1146=)

Gene: EPG5 (ectopic P-granules 5 autophagy tethering factor; minus strand). Cytogenetic location: 18q21.1.
Variant type: single nucleotide variant.
Coding change: c.3436T>C on transcript NM_020964.3 (MANE Select); coding-DNA position 3436, T replaced by C.
Protein change: p.Leu1146=; no amino-acid change (leucine 1146 retained).
Molecular consequence: synonymous variant.
Genome position (GRCh38, 1-based): chr18:45,916,155, A>G on the plus strand (T>C on the coding strand, the complement: EPG5 is on the minus strand). VCF-style: chr18-45916155-A-G. GRCh37 (hg19) VCF-style: chr18-43496120-A-G.
Other names: c.3436T>C, p.Leu1146= (LRG_1234t1).
Identifiers: ClinVar variation 534614 (VCV000534614.16), dbSNP rs9965714, ClinGen allele CA8949165.
Genomic context (GRCh38, chr18:45,916,155, plus strand): 5'-GGATAGGTTGTTCTCGGTACCAGAGATGCTGGCTTATGAGAGCCTGAACCCAGAACTCCA[A>G]CACAGCAACGGGGCCCACTTCATTGGGCTGAGTGCTTACAGATATGTGTGCCTGTGGAGA-3'
Protein context (NP_066015.2, residues 1136-1156): QPNEVGPVAV[Leu1146=]EFWVQALISQ